The following is an entry in ClinVar:

NM_000321.3(RB1):c.137+5G>A

Gene: RB1 (RB transcriptional corepressor 1; plus strand). Cytogenetic location: 13q14.2.
Variant type: single nucleotide variant.
Coding change: c.137+5G>A on transcript NM_000321.3 (MANE Select); 5 bases into the intron after coding-DNA position 137, G replaced by A.
Molecular consequence: intron variant.
Genome position (GRCh38, 1-based): chr13:48,304,054, G>A. VCF-style: chr13-48304054-G-A. GRCh37 (hg19) VCF-style: chr13-48878190-G-A.
Other names: c.137+5G>A (NM_001407166.1, NM_001407167.1, NM_001407165.1).
Identifiers: ClinVar variation 5027914 (VCV005027914.1).

ClinVar aggregate classification (germline): Uncertain significance (1 of 4 stars; one submission).

Conditions:
Hereditary cancer-predisposing syndrome. Also called: Neoplastic Syndromes, Hereditary; Tumor predisposition; Hereditary neoplastic syndrome; Hereditary Cancer Syndrome. Identifiers: Orphanet 140162, MedGen C0027672, MeSH D009386, MONDO:0015356.

Submission:

Ambry Genetics
Classification: Uncertain significance for Hereditary cancer-predisposing syndrome. Last evaluated: 2026-06-16. Review status: criteria provided, single submitter. Criteria: Ambry Variant Classification Scheme 2023. Collection method: clinical testing. Allele origin: germline.
Comment: The c.137+5G>A intronic variant results from a G to A substitution 5 nucleotides after coding exon 1 in the RB1 gene. This nucleotide position is highly conserved in available vertebrate species. This variant was reported in individual(s) with features consistent with RB1-related retinoblastoma (Fang X et al. Ophthalmic Genet, 2021 Oct;42:593-599).In silico splice site analysis predicts that this alteration will not have any significant effect on splicing. Based on the available evidence, the clinical significance of this variant remains unclear.

Literature cited by the submitters: PubMed 34190019.